The following is an entry in ClinVar:

NM_014712.3(SETD1A):c.1304C>G (p.Pro435Arg)

Gene: SETD1A (SET domain containing 1A, histone lysine methyltransferase; plus strand). Cytogenetic location: 16p11.2.
Variant type: single nucleotide variant.
Coding change: c.1304C>G on transcript NM_014712.3 (MANE Select); coding-DNA position 1304, C replaced by G.
Protein change: p.Pro435Arg; replaces proline 435 with arginine.
Molecular consequence: missense variant.
Genome position (GRCh38, 1-based): chr16:30,965,046, C>G. VCF-style: chr16-30965046-C-G. GRCh37 (hg19) VCF-style: chr16-30976367-C-G.
Other names: short protein forms P435R.
Identifiers: ClinVar variation 1706891 (VCV001706891.2), dbSNP rs377576775, ClinGen allele CA8016650.

ClinVar aggregate classification (germline): Uncertain significance (1 of 4 stars; one submission).

Allele frequency attached by ClinVar (database versions not stated): ESP Exome Variant Server 0.00008.

Submission:

GeneDx
Classification: Uncertain significance. Last evaluated: 2022-03-21. Review status: criteria provided, single submitter. Criteria: GeneDx Variant Classification Process June 2021. Collection method: clinical testing. Allele origin: germline. Affected: yes.
Comment: Has not been previously published as pathogenic or benign to our knowledge; In silico analysis supports that this missense variant has a deleterious effect on protein structure/function